The following is an entry in ClinVar:

NM_002618.4(PEX13):c.1104T>C (p.Asp368=)

Gene: PEX13 (peroxisomal biogenesis factor 13; plus strand). Cytogenetic location: 2p15.
Variant type: single nucleotide variant.
Coding change: c.1104T>C on transcript NM_002618.4 (MANE Select); coding-DNA position 1104, T replaced by C.
Protein change: p.Asp368=; no amino-acid change (aspartic acid 368 retained).
Molecular consequence: synonymous variant.
Genome position (GRCh38, 1-based): chr2:61,048,662, T>C. VCF-style: chr2-61048662-T-C. GRCh37 (hg19) VCF-style: chr2-61275797-T-C.
Other names: c.1104T>C (NM_002618.3).
Identifiers: ClinVar variation 2420395 (VCV002420395.30), dbSNP rs778497017, ClinGen allele CA1673434.
Genomic context (GRCh38, chr2:61,048,662, plus strand): 5'-TTCCAAGCAGCAACAATCTTTTACCAACCCAACACTAACTAAAGGAGCCACGGTTGCTGA[T>C]TCTTTGGATGAACAGGAAGCTGCCTTTGAATCTGTTTTTGTTGAAACTAATAAGGTTCCA-3'
Protein context (NP_002609.1, residues 358-378): PTLTKGATVA[Asp368=]SLDEQEAAFE

ClinVar aggregate classification (germline): Likely benign. Review status: criteria provided, multiple submitters, no conflicts (2 of 4 stars). 4 submissions from 4 submitters: Likely benign (4). Last evaluated 2025-11-16.

Conditions:
PEX13-related disorder. Also called: PEX13-related condition; PEX13-related disorders.
Peroxisome biogenesis disorder 11A (Zellweger). Also called: Peroxisome biogenesis disorder 11A. Identifiers: Orphanet 912, MedGen C3554000, MONDO:0013949, OMIM 614883.

Allele frequency attached by ClinVar (database versions not stated): gnomAD exomes 0.00001; ExAC 0.00002.
gnomAD v4.1: 16 of 1,614,120 alleles (0.00099%); highest among the groups gnomAD compares: Middle Eastern, 0.033%; no homozygotes.

Submissions (4):

Labcorp Genetics (formerly Invitae), Labcorp
Classification: Likely benign for Peroxisome biogenesis disorder 11A (Zellweger). Last evaluated: 2025-11-16. Review status: criteria provided, single submitter. Criteria: Invitae Variant Classification Sherloc (09022015). Collection method: clinical testing. Allele origin: germline.

PreventionGenetics, part of Exact Sciences
Classification: Likely benign for PEX13-related condition. Last evaluated: 2025-08-26. Review status: criteria provided, single submitter. Criteria: ACMG Guidelines, 2015. Collection method: clinical testing. Allele origin: germline.
Comment: This variant is classified as likely benign based on ACMG/AMP sequence variant interpretation guidelines (Richards et al. 2015 PMID: 25741868, with internal and published modifications).

Blueprint Genetics
Classification: Likely benign. Last evaluated: 2024-10-29. Review status: criteria provided, single submitter. Criteria: ACMG Guidelines, 2015. Collection method: clinical testing. Allele origin: germline.

CeGaT Center for Human Genetics Tuebingen
Classification: Likely benign. Last evaluated: 2023-05-01. Review status: criteria provided, single submitter. Criteria: CeGaT Center For Human Genetics Tuebingen Variant Classification Criteria Version 2. Collection method: clinical testing. Allele origin: germline. Affected: yes. Observed: 1 variant allele.
Comment: PEX13: BP4, BP7